The following is an entry in ClinVar:

ClinVar aggregate classification (germline): Uncertain significance (1 of 4 stars; one submission).

Conditions:
Congenital contractural arachnodactyly (CCA). Also called: Arthrogryposis, distal, type 9; BEALS SYNDROME; Beals-Hecht syndrome. Identifiers: Orphanet 115, MedGen C0220668, MONDO:0007363, OMIM 121050.

Allele frequency attached by ClinVar (database versions not stated): gnomAD exomes below 0.00001; TOPMed 0.00002.
gnomAD v4.1: 2 of 1,614,148 alleles (0.00012%); highest among the groups gnomAD compares: Non-Finnish European, 0.00017%; no homozygotes.

Submission:

Labcorp Genetics (formerly Invitae), Labcorp
Classification: Uncertain significance for Congenital contractural arachnodactyly. Last evaluated: 2021-07-27. Review status: criteria provided, single submitter. Criteria: Invitae Variant Classification Sherloc (09022015). Collection method: clinical testing. Allele origin: germline.
Comment: This sequence change replaces lysine with arginine at codon 711 of the FBN2 protein (p.Lys711Arg). The lysine residue is moderately conserved and there is a small physicochemical difference between lysine and arginine. In summary, the available evidence is currently insufficient to determine the role of this variant in disease. Therefore, it has been classified as a Variant of Uncertain Significance. Advanced modeling of protein sequence and biophysical properties (such as structural, functional, and spatial information, amino acid conservation, physicochemical variation, residue mobility, and thermodynamic stability) performed at Invitae indicates that this missense variant is not expected to disrupt FBN2 protein function. This variant has not been reported in the literature in individuals affected with FBN2-related conditions. This variant is not present in population databases (ExAC no frequency).

NM_001999.4(FBN2):c.2132A>G (p.Lys711Arg)

Gene: FBN2 (fibrillin 2; minus strand). Cytogenetic location: 5q23.3.
Variant type: single nucleotide variant.
Coding change: c.2132A>G on transcript NM_001999.4 (MANE Select); coding-DNA position 2132, A replaced by G.
Protein change: p.Lys711Arg; replaces lysine 711 with arginine.
Molecular consequence: missense variant.
Genome position (GRCh38, 1-based): chr5:128,369,298, T>C on the plus strand (A>G on the coding strand, the complement: FBN2 is on the minus strand). VCF-style: chr5-128369298-T-C. GRCh37 (hg19) VCF-style: chr5-127704991-T-C.
Other names: short protein forms K711R.
Identifiers: ClinVar variation 1349463 (VCV001349463.8), dbSNP rs1006288282, ClinGen allele CA127019141.
Genomic context (GRCh38, chr5:128,369,298, plus strand): 5'-GCACAGCAGCATTCGGACTTGGTCACTGCACCGGGGAAAGGACGCACACACACTCCTTTC[T>C]TGATTCCTCCATAGCAGGTACTGCGCATGTGAGTATCTAAAGGAGATACAAAAACAATGA-3'
Protein context (NP_001990.2, residues 701-721): HMRSTCYGGI[Lys711Arg]KGVCVRPFPG